The following is an entry in ClinVar:

NM_014780.5(CUL7):c.1183G>A (p.Gly395Arg)

Gene: CUL7 (cullin 7; minus strand). Cytogenetic location: 6p21.1.
Variant type: single nucleotide variant.
Coding change: c.1183G>A on transcript NM_014780.5 (MANE Select); coding-DNA position 1183, G replaced by A.
Protein change: p.Gly395Arg; replaces glycine 395 with arginine.
Molecular consequence: missense variant.
Genome position (GRCh38, 1-based): chr6:43,051,018, C>T on the plus strand (G>A on the coding strand, the complement: CUL7 is on the minus strand). VCF-style: chr6-43051018-C-T. GRCh37 (hg19) VCF-style: chr6-43018756-C-T.
Other names: c.1279G>A, p.Gly427Arg (NM_001168370.2, NM_001374872.1); c.1183G>A, p.Gly395Arg (NM_001374873.1, NM_001374874.1); c.1183G>A (NM_014780.4); short protein forms G427R, G395R.
Identifiers: ClinVar variation 2041893 (VCV002041893.2), dbSNP rs141588000, ClinGen allele CA3814210.

ClinVar aggregate classification (germline): Uncertain significance. Review status: criteria provided, multiple submitters, no conflicts (2 of 4 stars). 2 submissions from 2 submitters: Uncertain significance (2). Last evaluated 2025-01-27.

Conditions:
Inborn genetic diseases. Identifiers: MedGen C0950123, MeSH D030342.

Allele frequency attached by ClinVar (database versions not stated): gnomAD exomes 0.00002; ExAC 0.00006; ESP Exome Variant Server 0.00015; 1000 Genomes Project 30x 0.00016; 1000 Genomes Project 0.00020.
gnomAD v4.1: 45 of 1,614,196 alleles (0.0028%); highest among the groups gnomAD compares: African/African-American, 0.043%; no homozygotes.

Submissions (2):

Ambry Genetics
Classification: Uncertain significance for Inborn genetic diseases. Last evaluated: 2025-01-27. Review status: criteria provided, single submitter. Criteria: Ambry Variant Classification Scheme 2023. Collection method: clinical testing. Allele origin: germline.

Labcorp Genetics (formerly Invitae), Labcorp
Classification: Uncertain significance. Last evaluated: 2022-05-11. Review status: criteria provided, single submitter. Criteria: Invitae Variant Classification Sherloc (09022015). Collection method: clinical testing. Allele origin: germline.
Comment: This sequence change replaces glycine, which is neutral and non-polar, with arginine, which is basic and polar, at codon 395 of the CUL7 protein (p.Gly395Arg). This variant is present in population databases (rs141588000, gnomAD 0.03%). This variant has not been reported in the literature in individuals affected with CUL7-related conditions. Algorithms developed to predict the effect of missense changes on protein structure and function (SIFT, PolyPhen-2, Align-GVGD) all suggest that this variant is likely to be disruptive. In summary, the available evidence is currently insufficient to determine the role of this variant in disease. Therefore, it has been classified as a Variant of Uncertain Significance.